The following is an entry in ClinVar:

ClinVar aggregate classification (germline): Pathogenic (1 of 4 stars; one submission).

Conditions:
Hereditary cancer-predisposing syndrome. Also called: Tumor predisposition; Hereditary neoplastic syndrome; Neoplastic Syndromes, Hereditary; Hereditary Cancer Syndrome. Identifiers: Orphanet 140162, MedGen C0027672, MeSH D009386, MONDO:0015356.

Submission:

Ambry Genetics
Classification: Pathogenic for Hereditary cancer-predisposing syndrome. Last evaluated: 2025-05-30. Review status: criteria provided, single submitter. Criteria: Ambry Variant Classification Scheme 2023. Collection method: clinical testing. Allele origin: germline.
Comment: The c.4418delC pathogenic mutation, located in coding exon 22 of the DICER1 gene, results from a deletion of one nucleotide at nucleotide position 4418, causing a translational frameshift with a predicted alternate stop codon (p.S1473*). This variant was reported in individual(s) with features consistent with DICER1-related tumor predisposition syndrome, and at least one individual with this variant was found to have a somatic second hit in a recognized DICER1 hotspot codon on tumor sequencing (Ambry internal data). This variant is considered to be rare based on population cohorts in the Genome Aggregation Database (gnomAD). This alteration is expected to result in loss of function by premature protein truncation or nonsense-mediated mRNA decay. As such, this alteration is interpreted as a disease-causing mutation.

NM_177438.3(DICER1):c.4418del (p.Phe1472_Ser1473insTer)

Gene: DICER1 (dicer 1, ribonuclease III; minus strand). Cytogenetic location: 14q32.13.
Variant type: Deletion.
Coding change: c.4418del on transcript NM_177438.3 (MANE Select); coding-DNA position 4418, one base deleted (C; older notation c.4418delC).
Protein change: p.Phe1472_Ser1473insTer.
Molecular consequence: nonsense. On other transcripts: non-coding transcript variant (6).
Genome position (GRCh38, 1-based): chr14:95,096,502, G deleted on the plus strand (C on the coding strand, the reverse complement: DICER1 is on the minus strand). VCF-style (leftmost placement, unchanged base first): chr14-95096501-TG-T. GRCh37 (hg19) VCF-style: chr14-95562838-TG-T.
Other names: c.3851del, p.Phe1283_Ser1284insTer (NM_001395691.1); c.4418del, p.Phe1472_Ser1473insTer (NM_001395692.1, NM_001395693.1, NM_001395694.1 and 12 more transcripts); c.4013del, p.Phe1337_Ser1338insTer (NM_001395696.1, NM_001395687.1, NM_001395688.1 and 2 more transcripts); c.2735del, p.Phe911_Ser912insTer (NM_001395697.1); c.4136del, p.Phe1378_Ser1379insTer (NM_001395686.1).
Identifiers: ClinVar variation 4011663 (VCV004011663.1).